The following is an entry in ClinVar:

NM_000127.3(EXT1):c.371G>A (p.Gly124Glu)

Gene: EXT1 (exostosin glycosyltransferase 1; minus strand). Cytogenetic location: 8q24.11.
Variant type: single nucleotide variant.
Coding change: c.371G>A on transcript NM_000127.3 (MANE Select); coding-DNA position 371, G replaced by A.
Protein change: p.Gly124Glu; replaces glycine 124 with glutamic acid.
Molecular consequence: missense variant.
Genome position (GRCh38, 1-based): chr8:118,110,676, C>T on the plus strand (G>A on the coding strand, the complement: EXT1 is on the minus strand). VCF-style: chr8-118110676-C-T. GRCh37 (hg19) VCF-style: chr8-119122915-C-T.
Other names: c.371G>A (NM_000127.2); short protein forms G124E.
Identifiers: ClinVar variation 1431477 (VCV001431477.7), dbSNP rs761940324, ClinGen allele CA4854364.
Genomic context (GRCh38, chr8:118,110,676, plus strand): 5'-TAGAACCTGGAGCCCTCGATGGCCGCTAGAATGTTTTGGTAACTTTCGGCGATTTTCTCC[C>T]CTTTTTGCTGTGGGTATACGTAGACTTTGAAGCCGTTTTTCTTGCAAAGGGTGAAATCGA-3'
Protein context (NP_000118.2, residues 114-134): FKVYVYPQQK[Gly124Glu]EKIAESYQNI

ClinVar aggregate classification (germline): Uncertain significance. Review status: criteria provided, multiple submitters, no conflicts (2 of 4 stars). 2 submissions from 2 submitters: Uncertain significance (2). Last evaluated 2026-03-17.

Conditions:
Multiple congenital exostosis (EXT). Also called: Multiple exostoses; Multiple osteochondromas; MULTIPLE CARTILAGINOUS EXOSTOSES; Hereditary multiple osteochondromas; Hereditary multiple exostoses; Hereditary multiple exostosis. Identifiers: Orphanet 321, MedGen C0015306, MONDO:0005508, HP:0002762.
Inborn genetic diseases. Identifiers: MedGen C0950123, MeSH D030342.

Allele frequency attached by ClinVar (database versions not stated): gnomAD exomes below 0.00001; TOPMed below 0.00001; ExAC 0.00001.
gnomAD v4.1: 6 of 1,614,150 alleles (0.00037%); highest among the groups gnomAD compares: Non-Finnish European, 0.00042%; no homozygotes.

Submissions (2):

Ambry Genetics
Classification: Uncertain significance for Inborn genetic diseases. Last evaluated: 2026-03-17. Review status: criteria provided, single submitter. Criteria: Ambry Variant Classification Scheme 2023. Collection method: clinical testing. Allele origin: germline.

Labcorp Genetics (formerly Invitae), Labcorp
Classification: Uncertain significance for Multiple congenital exostosis. Last evaluated: 2022-11-09. Review status: criteria provided, single submitter. Criteria: Invitae Variant Classification Sherloc (09022015). Collection method: clinical testing. Allele origin: germline.
Comment: ClinVar contains an entry for this variant (Variation ID: 1431477). Advanced modeling of protein sequence and biophysical properties (such as structural, functional, and spatial information, amino acid conservation, physicochemical variation, residue mobility, and thermodynamic stability) has been performed at Invitae for this missense variant, however the output from this modeling did not meet the statistical confidence thresholds required to predict the impact of this variant on EXT1 protein function. In summary, the available evidence is currently insufficient to determine the role of this variant in disease. Therefore, it has been classified as a Variant of Uncertain Significance. This sequence change replaces glycine, which is neutral and non-polar, with glutamic acid, which is acidic and polar, at codon 124 of the EXT1 protein (p.Gly124Glu). This variant is present in population databases (rs761940324, gnomAD 0.0009%). This variant has not been reported in the literature in individuals affected with EXT1-related conditions.